The following is an entry in ClinVar:

ClinVar aggregate classification (germline): Benign/Likely benign. Review status: criteria provided, multiple submitters, no conflicts (2 of 4 stars). 4 submissions from 4 submitters: Benign (1); Likely benign (3). Last evaluated 2026-06-26.

Conditions:
Hereditary cancer-predisposing syndrome. Also called: Tumor predisposition; Hereditary Cancer Syndrome; Neoplastic Syndromes, Hereditary; Hereditary neoplastic syndrome. Identifiers: Orphanet 140162, MedGen C0027672, MeSH D009386, MONDO:0015356.
Papillary renal cell carcinoma type 1 (RCCP1). Also called: Renal adenocarcinoma; Renal cell carcinoma 1; Renal cell carcinoma, somatic; RENAL CELL CARCINOMA, PAPILLARY, 1, SOMATIC. Identifiers: Orphanet 47044, MedGen C1336839, OMIM 605074, HP:0011797.
MET-related disorder. Also called: MET-related condition.
Renal cell carcinoma. Identifiers: Orphanet 217071, MedGen C0007134, MeSH D002292, MONDO:0005086, HP:0005584.

Allele frequency attached by ClinVar (database versions not stated): ExAC 0.00001; TOPMed 0.00001; gnomAD 0.00002; gnomAD exomes 0.00002; ESP Exome Variant Server 0.00008.
gnomAD v4.1: 34 of 1,614,028 alleles (0.0021%); highest among the groups gnomAD compares: African/African-American, 0.008%; no homozygotes.

Submissions (4):

PreventionGenetics, part of Exact Sciences
Classification: Likely benign for MET-related condition. Last evaluated: 2026-06-26. Review status: criteria provided, single submitter. Criteria: ACMG Guidelines, 2015. Collection method: clinical testing. Allele origin: germline.
Comment: This variant is classified as likely benign based on ACMG/AMP sequence variant interpretation guidelines (Richards et al. 2015 PMID: 25741868, with internal and published modifications).

Labcorp Genetics (formerly Invitae), Labcorp
Classification: Likely benign for Renal cell carcinoma. Last evaluated: 2025-11-26. Review status: criteria provided, single submitter. Criteria: Invitae Variant Classification Sherloc (09022015). Collection method: clinical testing. Allele origin: germline.

Myriad Genetics, Inc.
Classification: Benign for Papillary renal cell carcinoma type 1. Last evaluated: 2024-11-15. Review status: criteria provided, single submitter. Criteria: Myriad Autosomal Dominant, Autosomal Recessive and X-Linked Classification Criteria (2023). Collection method: clinical testing. Allele origin: unknown.
Comment: This variant is considered benign. This variant is a silent/synonymous amino acid change and it is not expected to impact splicing.

Ambry Genetics
Classification: Likely benign for Hereditary cancer-predisposing syndrome. Last evaluated: 2020-03-25. Review status: criteria provided, single submitter. Criteria: Ambry Variant Classification Scheme 2023. Collection method: clinical testing. Allele origin: germline.

NM_000245.4(MET):c.4140C>T (p.Asp1380=)

Gene: MET (MET proto-oncogene, receptor tyrosine kinase; plus strand). Cytogenetic location: 7q31.2.
Variant type: single nucleotide variant.
Coding change: c.4140C>T on transcript NM_000245.4 (MANE Select); coding-DNA position 4140, C replaced by T.
Protein change: p.Asp1380=; no amino-acid change (aspartic acid 1380 retained).
Molecular consequence: synonymous variant.
Genome position (GRCh38, 1-based): chr7:116,796,091, C>T. VCF-style: chr7-116796091-C-T. GRCh37 (hg19) VCF-style: chr7-116436145-C-T.
Other names: c.4194C>T (NM_001127500.2); c.4194C>T, p.Asp1398= (NM_001127500.3); c.2850C>T, p.Asp950= (NM_001324402.2).
Identifiers: ClinVar variation 1120348 (VCV001120348.13), dbSNP rs370368651, ClinGen allele CA4448836.